The following is an entry in ClinVar:

ClinVar aggregate classification (germline): Pathogenic (1 of 4 stars; one submission).

Conditions:
Hereditary spherocytosis type 1. Also called: Spherocytosis type 1; ANK1-Related Spherocytosis. Identifiers: Orphanet 822, MedGen C2674218, MONDO:0008447, OMIM 182900.

Submission:

ARUP Laboratories, Molecular Genetics and Genomics, ARUP Laboratories
Classification: Pathogenic for Hereditary spherocytosis type 1. Last evaluated: 2023-06-28. Review status: criteria provided, single submitter. Criteria: ARUP Molecular Germline Variant Investigation Process 2024. Collection method: clinical testing. Allele origin: germline.
Comment: The ANK1 c.1800+1del variant, to our knowledge, is not reported in the medical literature or gene specific databases. This variant is also absent from the Genome Aggregation Database, indicating it is not a common polymorphism. This variant disrupts the canonical splice donor site of intron 16, which is likely to negatively impact gene function. Based on available information, this variant is considered to be pathogenic.

NM_000037.4(ANK1):c.1800+1del

Genes: ANK1 (ankyrin 1; minus strand), LOC126860369 (BRD4-independent group 4 enhancer GRCh37_chr8:41570734-41571933; plus strand). Cytogenetic location: 8p11.21.
Variant type: Deletion.
Coding change: c.1800+1del on transcript NM_000037.4 (MANE Select); the canonical splice donor site of the intron after coding-DNA position 1800, one base deleted (G; older notation c.1800+1delG).
Molecular consequence: splice donor variant.
Genome position (GRCh38, 1-based): chr8:41,714,155, C deleted on the plus strand (G on the coding strand, the reverse complement: ANK1 is on the minus strand); the first of 3 consecutive C bases (chr8:41,714,155-41,714,157); deleting any one gives the same sequence. VCF-style (leftmost placement, unchanged base first): chr8-41714154-AC-A. GRCh37 (hg19) VCF-style: chr8-41571672-AC-A.
Other names: c.1899+1del (NM_001142446.2); c.1800+1del (NM_020477.3, NM_020475.3, NM_020476.3).
Identifiers: ClinVar variation 2920942 (VCV002920942.1), dbSNP rs2486899576, ClinGen allele CA2739279845.
Genomic context (GRCh38, chr8:41,714,154, plus strand): 5'-GGACTGGAAGGTAGCAGGTGACCTGCTCTCCAGGGGCAGCTGGGGAGAGGGGCGGGCCTT[AC>A]CCAGGCAGGGCTGTGCGGGGAGCCGCCCCGGGGAAGCAGCAGCTTGACGATGTCCAGGTT-3'